The following is an entry in ClinVar:

NM_015047.3(EMC1):c.1213-1G>A

Genes: EMC1 (ER membrane protein complex subunit 1; minus strand), EMC1-AS1 (EMC1 antisense RNA 1; plus strand). Cytogenetic location: 1p36.13.
Variant type: single nucleotide variant.
Coding change: c.1213-1G>A on transcript NM_015047.3 (MANE Select); the canonical splice acceptor site of the intron before coding-DNA position 1213, G replaced by A.
Molecular consequence: splice acceptor variant.
Genome position (GRCh38, 1-based): chr1:19,237,239, C>T on the plus strand (G>A on the coding strand, the complement: EMC1 is on the minus strand). VCF-style: chr1-19237239-C-T. GRCh37 (hg19) VCF-style: chr1-19563733-C-T.
Other names: c.1147-1G>A (NM_001271429.2); c.1210-1G>A (NM_001271427.2, NM_001375821.1); c.1213-1G>A (NM_001271428.2, NM_001375820.1).
Identifiers: ClinVar variation 2702469 (VCV002702469.3), dbSNP rs951989321, ClinGen allele CA338765943.

ClinVar aggregate classification (germline): Likely pathogenic (1 of 4 stars; one submission).

Submission:

Labcorp Genetics (formerly Invitae), Labcorp
Classification: Likely pathogenic. Last evaluated: 2023-12-12. Review status: criteria provided, single submitter. Criteria: Invitae Variant Classification Sherloc (09022015). Collection method: clinical testing. Allele origin: germline.
Comment: This sequence change affects an acceptor splice site in intron 11 of the EMC1 gene. It is expected to disrupt RNA splicing. Variants that disrupt the donor or acceptor splice site typically lead to a loss of protein function (PMID: 16199547), and loss-of-function variants in EMC1 are known to be pathogenic (PMID: 26572623, 26942288, 29271071). This variant is not present in population databases (gnomAD no frequency). This variant has not been reported in the literature in individuals affected with EMC1-related conditions. Algorithms developed to predict the effect of sequence changes on RNA splicing suggest that this variant may disrupt the consensus splice site. In summary, the currently available evidence indicates that the variant is pathogenic, but additional data are needed to prove that conclusively. Therefore, this variant has been classified as Likely Pathogenic.

Literature cited by the submitters: PubMed 16199547; PubMed 26572623; PubMed 26942288; PubMed 29271071.